The following is an entry in ClinVar:

ClinVar aggregate classification (germline): Uncertain significance (1 of 4 stars; one submission).

Submission:

Labcorp Genetics (formerly Invitae), Labcorp
Classification: Uncertain significance. Last evaluated: 2022-05-25. Review status: criteria provided, single submitter. Criteria: Invitae Variant Classification Sherloc (09022015). Collection method: clinical testing. Allele origin: germline.
Comment: This variant is a gross deletion of the genomic region encompassing exon(s) 1-3 of the COQ7 gene, which includes the initiator codon. This deletion extends beyond the assayed region for this gene and therefore may encompass additional genes. It is expected to result in an absent or disrupted protein product. However, the current clinical and genetic evidence is not sufficient to establish whether loss-of-function variants in COQ7 cause disease. This variant has not been reported in the literature in individuals affected with COQ7-related conditions. In summary, the available evidence is currently insufficient to determine the role of this variant in disease. Therefore, it has been classified as a Variant of Uncertain Significance.

NC_000016.9:g.(?_19078987)_(19085377_?)del

Gene: COQ7 (coenzyme Q7, hydroxylase; plus strand). Cytogenetic location: 16p12.3.
Variant type: Deletion.
Identifiers: ClinVar variation 2426271 (VCV002426271.4).